The following is an entry in ClinVar:

NM_005732.4(RAD50):c.3668T>G (p.Leu1223Arg)

Genes: TH2LCRR (T helper type 2 locus control region associated RNA; minus strand), TH2-LCR (Th2 cytokine locus control region; plus strand), RAD50 (RAD50 double strand break repair protein; plus strand). Cytogenetic location: 5q31.1.
Variant type: single nucleotide variant.
Coding change: c.3668T>G on transcript NM_005732.4 (MANE Select); coding-DNA position 3668, T replaced by G.
Protein change: p.Leu1223Arg; replaces leucine 1223 with arginine.
Molecular consequence: missense variant.
Genome position (GRCh38, 1-based): chr5:132,640,721, T>G. VCF-style: chr5-132640721-T-G. GRCh37 (hg19) VCF-style: chr5-131976413-T-G.
Other names: c.3668T>G (NM_005732.3); short protein forms L1223R.
Identifiers: ClinVar variation 2134861 (VCV002134861.5), dbSNP rs1581023721, ClinGen allele CA360934073.

ClinVar aggregate classification (germline): Uncertain significance. Review status: criteria provided, multiple submitters, no conflicts (2 of 4 stars). 2 submissions from 2 submitters: Uncertain significance (2). Last evaluated 2026-05-23.

Conditions:
Hereditary cancer-predisposing syndrome. Also called: Tumor predisposition; Hereditary Cancer Syndrome; Hereditary neoplastic syndrome; Neoplastic Syndromes, Hereditary. Identifiers: Orphanet 140162, MedGen C0027672, MeSH D009386, MONDO:0015356.

Submissions (2):

Ambry Genetics
Classification: Uncertain significance for Hereditary cancer-predisposing syndrome. Last evaluated: 2026-05-23. Review status: criteria provided, single submitter. Criteria: Ambry Variant Classification Scheme 2023. Collection method: clinical testing. Allele origin: germline.
Comment: The p.L1223R variant (also known as c.3668T>G), located in coding exon 24 of the RAD50 gene, results from a T to G substitution at nucleotide position 3668. The leucine at codon 1223 is replaced by arginine, an amino acid with dissimilar properties. This amino acid position is conserved. In addition, the in silico prediction for this alteration is inconclusive. Based on the available evidence, the clinical significance of this variant remains unclear.

Labcorp Genetics (formerly Invitae), Labcorp
Classification: Uncertain significance for Hereditary cancer-predisposing syndrome. Last evaluated: 2022-05-31. Review status: criteria provided, single submitter. Criteria: Invitae Variant Classification Sherloc (09022015). Collection method: clinical testing. Allele origin: germline.
Comment: In summary, the available evidence is currently insufficient to determine the role of this variant in disease. Therefore, it has been classified as a Variant of Uncertain Significance. Algorithms developed to predict the effect of missense changes on protein structure and function are either unavailable or do not agree on the potential impact of this missense change (SIFT: "Tolerated"; PolyPhen-2: "Probably Damaging"; Align-GVGD: "Class C0"). This variant has not been reported in the literature in individuals affected with RAD50-related conditions. This variant is not present in population databases (gnomAD no frequency). This sequence change replaces leucine, which is neutral and non-polar, with arginine, which is basic and polar, at codon 1223 of the RAD50 protein (p.Leu1223Arg).